The following is an entry in ClinVar:

NM_001267550.2(TTN):c.94183C>G (p.Leu31395Val)

Genes: TTN (titin; minus strand), TTN-AS1 (TTN antisense RNA 1; plus strand). Cytogenetic location: 2q31.2.
Variant type: single nucleotide variant.
Coding change: c.94183C>G on transcript NM_001267550.2 (MANE Select); coding-DNA position 94183, C replaced by G.
Protein change: p.Leu31395Val; replaces leucine 31395 with valine.
Molecular consequence: missense variant.
Genome position (GRCh38, 1-based): chr2:178,547,443, G>C on the plus strand (C>G on the coding strand, the complement: TTN is on the minus strand). VCF-style: chr2-178547443-G-C. GRCh37 (hg19) VCF-style: chr2-179412170-G-C.
Other names: c.89260C>G, p.Leu29754Val (NM_001256850.1); c.66988C>G, p.Leu22330Val (NM_003319.4); c.86479C>G, p.Leu28827Val (NM_133378.4); c.67363C>G, p.Leu22455Val (NM_133432.3); c.67564C>G, p.Leu22522Val (NM_133437.4); short protein forms L22522V, L28827V, L29754V, L22330V, L31395V, L22455V.
Identifiers: ClinVar variation 679593 (VCV000679593.1), dbSNP rs1575462400, ClinGen allele CA349477070.

ClinVar aggregate classification (germline): Likely benign (1 of 4 stars; one submission).

Submission:

GeneDx
Classification: Likely benign. Last evaluated: 2018-04-23. Review status: criteria provided, single submitter. Criteria: GeneDx Variant Classification (06012015). Collection method: clinical testing. Allele origin: germline. Affected: yes.
Comment: This variant is considered likely benign or benign based on one or more of the following criteria: it is a conservative change, it occurs at a poorly conserved position in the protein, it is predicted to be benign by multiple in silico algorithms, and/or has population frequency not consistent with disease.